The following is an entry in ClinVar:

NM_003482.4(KMT2D):c.4168G>C (p.Ala1390Pro)

Gene: KMT2D (lysine methyltransferase 2D; minus strand). Cytogenetic location: 12q13.12.
Variant type: single nucleotide variant.
Coding change: c.4168G>C on transcript NM_003482.4 (MANE Select); coding-DNA position 4168, G replaced by C.
Protein change: p.Ala1390Pro; replaces alanine 1390 with proline.
Molecular consequence: missense variant.
Genome position (GRCh38, 1-based): chr12:49,048,033, C>G on the plus strand (G>C on the coding strand, the complement: KMT2D is on the minus strand). VCF-style: chr12-49048033-C-G. GRCh37 (hg19) VCF-style: chr12-49441816-C-G.
Other names: short protein forms A1390P.
Identifiers: ClinVar variation 4530507 (VCV004530507.1).
Genomic context (GRCh38, chr12:49,048,033, plus strand): 5'-TGACACAGTAAGGGTGATAGCACTGAGAGCACTGCGAACAGGCAAGGAGGTGGCCCTCTG[C>G]CCCCCGGCCAAAGCTGCCACATACCACACACATGTCCTGGGGAAACACAGAGAAACCCAA-3'
Protein context (NP_003473.3, residues 1380-1400): CVVCGSFGRG[Ala1390Pro]EGHLLACSQC

ClinVar aggregate classification (somatic clinical impact): Tier II - Potential (1 of 4 stars; one submission).

Conditions:
Medulloblastoma non-WNT/non-SHH group 3. Identifiers: MedGen C4330665, MONDO:0956966.

Submission:

Institute for Genomic Medicine (IGM) Clinical Laboratory, Nationwide Children's Hospital
Classification: Tier II - Potential for Medulloblastoma non-WNT/non-SHH group 3. Assertion type: diagnostic. Clinical significance: supports diagnosis. Last evaluated: 2024-07-10. Review status: criteria provided, single submitter. Criteria: AMP/ASCO/CAP Guidelines, 2017. Collection method: clinical testing. Allele origin: somatic. Affected: yes.
Comment: Variant has Tier II (potential) clinical significance as a diagnostic inclusion criterion in medulloblastoma non-WNT/non-SHH group 3, based on the following evidence: 1) Appears in one or more well-established professional guidelines (e.g., World Health Organization [WHO]; National Comprehensive Cancer Network [NCCN]) as providing diagnostic, prognostic, or therapeutic information. 2) Diagnostic significance based on multiple small studies (Evidence Level C; PMIDs: 28726821, 21163964, 23184418, 22820256, 22722829).

Literature cited by the submitters: PubMed 28726821; PubMed 21163964; PubMed 23184418; PubMed 22820256; PubMed 22722829.